The following is an entry in ClinVar:

ClinVar aggregate classification (germline): Conflicting classifications of pathogenicity. Review status: criteria provided, conflicting classifications (1 of 4 stars). 2 submissions from 2 submitters: Likely pathogenic (1); Uncertain significance (1). Last evaluated 2025-10-21.

Conditions:
Charcot-Marie-Tooth disease type 4. Also called: Charcot-Marie-Tooth disease, type IV; Charcot-Marie-Tooth, Type 4. Identifiers: Orphanet 64749, MedGen C4082197, MONDO:0018995.

Submissions (2):

Labcorp Genetics (formerly Invitae), Labcorp
Classification: Uncertain significance for Charcot-Marie-Tooth disease type 4. Last evaluated: 2025-10-21. Review status: criteria provided, single submitter. Criteria: Invitae Variant Classification Sherloc (09022015). Collection method: clinical testing. Allele origin: germline.
Comment: This sequence change falls in intron 11 of the SH3TC2 gene. It does not directly change the encoded amino acid sequence of the SH3TC2 protein. It affects a nucleotide within the consensus splice site. This variant is not present in population databases (gnomAD no frequency). This variant has been observed in individual(s) with Charcot-Marie-Tooth disease (internal data). In at least one individual the data is consistent with being in trans (on the opposite chromosome) from a pathogenic variant. ClinVar contains an entry for this variant (Variation ID: 946092). Variants that disrupt the consensus splice site are a relatively common cause of aberrant splicing (PMID: 17576681, 9536098). Algorithms developed to predict the effect of sequence changes on RNA splicing suggest that this variant may disrupt the consensus splice site. In summary, the available evidence is currently insufficient to determine the role of this variant in disease. Therefore, it has been classified as a Variant of Uncertain Significance.

CeGaT Center for Human Genetics Tuebingen
Classification: Likely pathogenic. Last evaluated: 2024-07-01. Review status: criteria provided, single submitter. Criteria: CeGaT Center For Human Genetics Tuebingen Variant Classification Criteria Version 2. Collection method: clinical testing. Allele origin: germline. Affected: yes. Observed: 1 variant allele.
Comment: SH3TC2: PM2, PM3, PP3, PP4

Literature cited by the submitters: PubMed 17576681 (cited by Labcorp Genetics (formerly Invitae), Labcorp); PubMed 9536098 (cited by Labcorp Genetics (formerly Invitae), Labcorp).

NM_024577.4(SH3TC2):c.2872+4_2872+7del

Gene: SH3TC2 (SH3 domain and tetratricopeptide repeats 2; minus strand). Cytogenetic location: 5q32.
Variant type: Microsatellite.
Coding change: c.2872+4_2872+7del on transcript NM_024577.4 (MANE Select); bases 4 to 7 of the intron after coding-DNA position 2872, 4 bases deleted (AGTA; older notation c.2872+4_2872+7delAGTA).
Molecular consequence: splice donor variant.
Genome position (GRCh38, 1-based): chr5:149,026,853-149,026,856, TACT deleted on the plus strand (AGTA on the coding strand, the reverse complement: SH3TC2 is on the minus strand); deleting any 4 consecutive bases within chr5:149,026,853-149,026,860 gives the same sequence; the c. name uses the placement nearest the transcript's 3' end. VCF-style (leftmost placement, unchanged base first): chr5-149026852-ATACT-A. GRCh37 (hg19) VCF-style: chr5-148406415-ATACT-A.
Identifiers: ClinVar variation 946092 (VCV000946092.23), dbSNP rs1754073023, ClinGen allele CA1139659130.
Genomic context (GRCh38, chr5:149,026,852, plus strand): 5'-TAGGAAATGGATAAAACTTGATCCAACACTTTTCTCTATAGCTTCCCAGCAGCATGGGAC[ATACT>A]TACTCTTTAGATGTCGATGCCTTAAGCCAAACAGCAATGCCATTTCATAACAAAGAAGGC-3'